The following is an entry in ClinVar:

NM_006579.3(EBP):c.511C>T (p.Arg171Cys)

Gene: EBP (EBP cholestenol delta-isomerase; plus strand). Cytogenetic location: Xp11.23.
Variant type: single nucleotide variant.
Coding change: c.511C>T on transcript NM_006579.3 (MANE Select); coding-DNA position 511, C replaced by T.
Protein change: p.Arg171Cys; replaces arginine 171 with cysteine.
Molecular consequence: missense variant.
Genome position (GRCh38, 1-based): chrX:48,528,275, C>T. VCF-style: chrX-48528275-C-T. GRCh37 (hg19) VCF-style: chrX-48386663-C-T.
Other names: short protein forms R171C.
Identifiers: ClinVar variation 158551 (VCV000158551.29), dbSNP rs141925556, ClinGen allele CA236348.

ClinVar aggregate classification (germline): Conflicting classifications of pathogenicity. Review status: criteria provided, conflicting classifications (1 of 4 stars). 11 submissions from 11 submitters: Likely pathogenic (2); Uncertain significance (1); Benign (1); Likely benign (4). 3 of the submissions do not count toward it. Last evaluated 2026-01-15.

Conditions:
EBP-related disorder. Also called: EBP-related condition.
MEND syndrome (MEND). Also called: MALE EBP DISORDER WITH NEUROLOGIC DEFECTS. Identifiers: Orphanet 401973, MedGen C4085243, MONDO:0010498, OMIM 300960.
Chondrodysplasia punctata 2 X-linked dominant (CDPX2). Also called: Hunermann-Conradi Syndrome; CONRADI-HUNERMANN-HAPPLE SYNDROME; HAPPLE SYNDROME; EBP-Related X-Linked Chondrodysplasia Punctata. Identifiers: Orphanet 35173, MedGen C0282102, MONDO:0020603, OMIM 302960.

Allele frequency attached by ClinVar (database versions not stated): 1000 Genomes Project 30x 0.00021; 1000 Genomes Project 0.00026; gnomAD 0.00064; gnomAD exomes 0.00064; ESP Exome Variant Server 0.00066; TOPMed 0.00069; ExAC 0.00073.
gnomAD v4.1: 1,114 of 1,209,745 alleles (0.092%); highest among the groups gnomAD compares: Non-Finnish European, 0.11%; 2 homozygotes.

Submissions (11):

Labcorp Genetics (formerly Invitae), Labcorp
Classification: Likely benign. Last evaluated: 2026-01-15. Review status: criteria provided, single submitter. Criteria: Invitae Variant Classification Sherloc (09022015). Collection method: clinical testing. Allele origin: germline.

Blueprint Genetics
Classification: Likely benign. Last evaluated: 2024-09-25. Review status: criteria provided, single submitter. Criteria: ACMG Guidelines, 2015. Collection method: clinical testing. Allele origin: germline.

Department of Pathology and Laboratory Medicine, Sinai Health System
Classification: Likely benign for MEND syndrome. Last evaluated: 2022-11-22. Review status: criteria provided, single submitter. Criteria: ACMG Guidelines, 2015. Collection method: research. Allele origin: germline.

Mendelics
Classification: Uncertain significance for Chondrodysplasia punctata 2 X-linked dominant. Last evaluated: 2019-05-28. Review status: criteria provided, single submitter. Criteria: Mendelics Assertion Criteria 2017. Collection method: clinical testing. Allele origin: unknown.

ARUP Laboratories, Molecular Genetics and Genomics, ARUP Laboratories
Classification: Benign. Last evaluated: 2018-06-17. Review status: criteria provided, single submitter. Criteria: ARUP Molecular Germline Variant Investigation Process. Collection method: clinical testing. Allele origin: germline.

GeneDx
Classification: Likely benign. Last evaluated: 2015-06-26. Review status: criteria provided, single submitter. Criteria: GeneDx Variant Classification (06012015). Collection method: clinical testing. Allele origin: germline. Affected: yes.
Comment: This variant is considered likely benign or benign based on one or more of the following criteria: it is a conservative change, it occurs at a poorly conserved position in the protein, it is predicted to be benign by multiple in silico algorithms, and/or has population frequency not consistent with disease.

Genetic Services Laboratory, University of Chicago
Classification: Likely pathogenic for Chondrodysplasia punctata, X-linked dominant. Last evaluated: 2013-02-08. Review status: criteria provided, single submitter. Criteria: ACMG Guidelines, 2007. Collection method: clinical testing. Allele origin: germline. Inheritance: X-linked inheritance. Affected: yes.

Genomic Medicine Center of Excellence, King Faisal Specialist Hospital and Research Centre
Classification: Likely pathogenic. Review status: criteria provided, single submitter. Criteria: ACMG Guidelines, 2015. Collection method: research. Allele origin: germline. Affected: yes.

PreventionGenetics, part of Exact Sciences
Classification: Likely benign for EBP-related condition. Last evaluated: 2021-04-01. Review status: no assertion criteria provided. Collection method: clinical testing. Allele origin: germline. Not counted in ClinVar's aggregate classification.
Comment: This variant is classified as likely benign based on ACMG/AMP sequence variant interpretation guidelines (Richards et al. 2015 PMID: 25741868, with internal and published modifications).

Clinical Genetics DNA and cytogenetics Diagnostics Lab, Erasmus MC, Erasmus Medical Center
Classification: Likely benign. Review status: no assertion criteria provided. Collection method: clinical testing. Allele origin: germline. Affected: yes. Study: VKGL Data-share Consensus. Not counted in ClinVar's aggregate classification.

Laboratory of Diagnostic Genome Analysis, Leiden University Medical Center (LUMC)
Classification: Likely benign. Review status: no assertion criteria provided. Collection method: clinical testing. Allele origin: germline. Affected: yes. Study: VKGL Data-share Consensus. Not counted in ClinVar's aggregate classification.